The following is an entry in ClinVar:

NM_015272.5(RPGRIP1L):c.1701C>A (p.Ala567=)

Gene: RPGRIP1L (RPGRIP1 like; minus strand). Cytogenetic location: 16q12.2.
Variant type: single nucleotide variant.
Coding change: c.1701C>A on transcript NM_015272.5 (MANE Select); coding-DNA position 1701, C replaced by A.
Protein change: p.Ala567=; no amino-acid change (alanine 567 retained).
Molecular consequence: synonymous variant.
Genome position (GRCh38, 1-based): chr16:53,652,986, G>T on the plus strand (C>A on the coding strand, the complement: RPGRIP1L is on the minus strand). VCF-style: chr16-53652986-G-T. GRCh37 (hg19) VCF-style: chr16-53686898-G-T.
Other names: c.1701C>A, p.Ala567= (NM_001127897.4, NM_001308334.3, NM_001330538.2).
Identifiers: ClinVar variation 501224 (VCV000501224.43), dbSNP rs1555604462, ClinGen allele CA495784761.

ClinVar aggregate classification (germline): Conflicting classifications of pathogenicity. Review status: criteria provided, conflicting classifications (1 of 4 stars). 6 submissions from 6 submitters: Uncertain significance (2); Likely benign (3). 1 of the submissions does not count toward it. Last evaluated 2024-10-29.

Conditions:
Joubert syndrome. Also called: Familial aplasia of the vermis; JOUBERT-BOLTSHAUSER SYNDROME. Identifiers: Orphanet 475, MedGen C5979921, MONDO:0018772.
Meckel-Gruber syndrome. Also called: GRUBER SYNDROME; Dysencephalia splachnocystica; DYSENCEPHALIA SPLANCHNOCYSTICA. Identifiers: Orphanet 564, MedGen C0265215, MONDO:0018921.

Allele frequency attached by ClinVar (database versions not stated): gnomAD exomes 0.00001.
gnomAD v4.1: 11 of 1,609,950 alleles (0.00068%); highest among the groups gnomAD compares: Middle Eastern, 0.099%; no homozygotes.

Submissions (6):

Blueprint Genetics
Classification: Likely benign. Last evaluated: 2024-10-29. Review status: criteria provided, single submitter. Criteria: ACMG Guidelines, 2015. Collection method: clinical testing. Allele origin: germline.

Labcorp Genetics (formerly Invitae), Labcorp
Classification: Likely benign for Joubert syndrome; Meckel-Gruber syndrome. Last evaluated: 2024-03-06. Review status: criteria provided, single submitter. Criteria: Invitae Variant Classification Sherloc (09022015). Collection method: clinical testing. Allele origin: germline.

CeGaT Center for Human Genetics Tuebingen
Classification: Likely benign. Last evaluated: 2023-08-01. Review status: criteria provided, single submitter. Criteria: CeGaT Center For Human Genetics Tuebingen Variant Classification Criteria Version 2. Collection method: clinical testing. Allele origin: germline. Affected: yes. Observed: 1 variant allele.
Comment: RPGRIP1L: PM2:Supporting, BP4, BP7

Revvity Omics, Revvity
Classification: Uncertain significance. Last evaluated: 2021-11-16. Review status: criteria provided, single submitter. Criteria: ACMG Guidelines, 2015. Collection method: clinical testing. Allele origin: germline.

Eurofins Ntd Llc (ga)
Classification: Uncertain significance. Last evaluated: 2017-04-18. Review status: criteria provided, single submitter. Criteria: EGL Classification Definitions 2015. Collection method: clinical testing. Allele origin: germline. Observed: 1 variant allele, 1 heterozygote.

Natera, Inc.
Classification: Uncertain significance for Joubert syndrome. Last evaluated: 2020-08-15. Review status: no assertion criteria provided. Collection method: clinical testing. Allele origin: germline. Not counted in ClinVar's aggregate classification.